The following is an entry in ClinVar:

ClinVar aggregate classification (germline): Likely benign. Review status: criteria provided, multiple submitters, no conflicts (2 of 4 stars). 3 submissions from 3 submitters: Likely benign (3). Last evaluated 2025-07-16.

Conditions:
Progressive sclerosing poliodystrophy (MTDPS4A). Also called: NEURONAL DEGENERATION OF CHILDHOOD WITH LIVER DISEASE, PROGRESSIVE; ALPERS DIFFUSE DEGENERATION OF CEREBRAL GRAY MATTER WITH HEPATIC CIRRHOSIS; Alpers-Huttenlocher Syndrome; Mitochondrial DNA depletion syndrome 4A (Alpers type); Alpers Syndrome; ALPERS PROGRESSIVE INFANTILE POLIODYSTROPHY. Identifiers: Orphanet 726, MedGen C0205710, MONDO:0008758, OMIM 203700.

Allele frequency attached by ClinVar (database versions not stated): gnomAD exomes below 0.00001.
gnomAD v4.1: 5 of 1,607,524 alleles (0.00031%); highest among the groups gnomAD compares: East Asian, 0.0022%; no homozygotes.

Submissions (3):

Labcorp Genetics (formerly Invitae), Labcorp
Classification: Likely benign for Progressive sclerosing poliodystrophy. Last evaluated: 2025-07-16. Review status: criteria provided, single submitter. Criteria: Invitae Variant Classification Sherloc (09022015). Collection method: clinical testing. Allele origin: germline.

Blueprint Genetics
Classification: Likely benign. Last evaluated: 2023-01-23. Review status: criteria provided, single submitter. Criteria: ACMG Guidelines, 2015. Collection method: clinical testing. Allele origin: germline.

GeneDx
Classification: Likely benign. Last evaluated: 2017-01-27. Review status: criteria provided, single submitter. Criteria: GeneDx Variant Classification (06012015). Collection method: clinical testing. Allele origin: germline. Affected: yes.
Comment: This variant is considered likely benign or benign based on one or more of the following criteria: it is a conservative change, it occurs at a poorly conserved position in the protein, it is predicted to be benign by multiple in silico algorithms, and/or has population frequency not consistent with disease.

NM_002693.3(POLG):c.333G>T (p.Gly111=)

Genes: POLG (DNA polymerase gamma, catalytic subunit; minus strand), POLGARF (POLG alternative reading frame; minus strand). Cytogenetic location: 15q26.1.
Variant type: single nucleotide variant.
Coding change: c.333G>T on transcript NM_002693.3 (MANE Select); coding-DNA position 333, G replaced by T.
Protein change: p.Gly111=; no amino-acid change (glycine 111 retained).
Molecular consequence: synonymous variant.
Genome position (GRCh38, 1-based): chr15:89,333,422, C>A on the plus strand (G>T on the coding strand, the complement: POLG is on the minus strand). VCF-style: chr15-89333422-C-A. GRCh37 (hg19) VCF-style: chr15-89876653-C-A.
Other names: c.333G>T, p.Gly111= (NM_001126131.2).
Identifiers: ClinVar variation 413487 (VCV000413487.13), dbSNP rs56221189, ClinGen allele CA16614590.
Genomic context (GRCh38, chr15:89,333,422, plus strand): 5'-GTAGAGGGGCGGCAGGCGCAGCTCCACGTCGGGCAAGGGCACGGCTGGCTGCCCCCAGAG[C>A]CCGTGCTTCTGCAGGTGCTCGACGCTGCGGCGCACCGCGGCCTCGCCAGGCATCTCCCCT-3'
Protein context (NP_002684.1, residues 101-121): RRSVEHLQKH[Gly111=]LWGQPAVPLP